The following is an entry in ClinVar:

ClinVar aggregate classification (germline): Conflicting classifications of pathogenicity. Review status: criteria provided, conflicting classifications (1 of 4 stars). 4 submissions from 4 submitters: Uncertain significance (2); Likely benign (2). Last evaluated 2026-01-01.

Conditions:
Cardiovascular phenotype. Identifiers: MedGen CN230736.

Allele frequency attached by ClinVar (database versions not stated): gnomAD 0.00001; ExAC 0.00002; gnomAD exomes 0.00002.
gnomAD v4.1: 12 of 1,610,304 alleles (0.00075%); highest among the groups gnomAD compares: Non-Finnish European, 0.001%; no homozygotes.

Submissions (4):

CeGaT Center for Human Genetics Tuebingen
Classification: Uncertain significance. Last evaluated: 2026-01-01. Review status: criteria provided, single submitter. Criteria: CeGaT Center For Human Genetics Tuebingen Variant Classification Criteria Version 2. Collection method: clinical testing. Allele origin: germline. Affected: yes. Observed: 1 variant allele.
Comment: TTN: PM2:Supporting, BP4

Blueprint Genetics
Classification: Likely benign. Last evaluated: 2024-11-22. Review status: criteria provided, single submitter. Criteria: ACMG Guidelines, 2015. Collection method: clinical testing. Allele origin: germline.

Ambry Genetics
Classification: Likely benign for Cardiovascular phenotype. Last evaluated: 2022-09-12. Review status: criteria provided, single submitter. Criteria: Ambry Variant Classification Scheme 2023. Collection method: clinical testing. Allele origin: germline.

Athena Diagnostics
Classification: Uncertain significance. Last evaluated: 2021-06-09. Review status: criteria provided, single submitter. Criteria: Athena Diagnostics Criteria. Collection method: clinical testing. Allele origin: unknown.

NM_001267550.2(TTN):c.47874T>C (p.Phe15958=)

Genes: TTN (titin; minus strand), TTN-AS1 (TTN antisense RNA 1; plus strand). Cytogenetic location: 2q31.2.
Variant type: single nucleotide variant.
Coding change: c.47874T>C on transcript NM_001267550.2 (MANE Select); coding-DNA position 47874, T replaced by C.
Protein change: p.Phe15958=; no amino-acid change (phenylalanine 15958 retained).
Molecular consequence: synonymous variant.
Genome position (GRCh38, 1-based): chr2:178,617,121, A>G on the plus strand (T>C on the coding strand, the complement: TTN is on the minus strand). VCF-style: chr2-178617121-A-G. GRCh37 (hg19) VCF-style: chr2-179481848-A-G.
Other names: c.42951T>C, p.Phe14317= (NM_001256850.1); c.20679T>C, p.Phe6893= (NM_003319.4); c.40170T>C, p.Phe13390= (NM_133378.4); c.21054T>C, p.Phe7018= (NM_133432.3); c.21255T>C, p.Phe7085= (NM_133437.4).
Identifiers: ClinVar variation 1785297 (VCV001785297.8), dbSNP rs747343598, ClinGen allele CA1994964.